The following is an entry in ClinVar:

NM_033337.3(CAV3):c.165del (p.Asp55fs)

Genes: CAV3 (caveolin 3; plus strand), OXTR (oxytocin receptor; minus strand). Cytogenetic location: 3p25.3.
Variant type: Deletion.
Coding change: c.165del on transcript NM_033337.3 (MANE Select); coding-DNA position 165, one base deleted (C; older notation c.165delC).
Protein change: p.Asp55fs; shifts the reading frame from aspartic acid 55.
Molecular consequence: frameshift variant.
Genome position (GRCh38, 1-based): chr3:8,745,576, C deleted. VCF-style (leftmost placement, unchanged base first): chr3-8745575-AC-A. GRCh37 (hg19) VCF-style: chr3-8787261-AC-A.
Other names: c.165del, p.Asp55fs (NM_001234.5); c.165delC (NM_033337.2); short protein forms D55fs.
Identifiers: ClinVar variation 639987 (VCV000639987.9), dbSNP rs780411707, ClinGen allele CA2236332.

ClinVar aggregate classification (germline): Uncertain significance. Review status: criteria provided, multiple submitters, no conflicts (2 of 4 stars). 2 submissions from 2 submitters: Uncertain significance (2). Last evaluated 2023-03-10.

Conditions:
Cardiovascular phenotype. Identifiers: MedGen CN230736.
Long QT syndrome (LQTS). Identifiers: MedGen C0023976, MeSH D008133, MONDO:0002442. Disease mechanism: loss of function. Inheritance: Various modes of inheritance.

Allele frequency attached by ClinVar (database versions not stated): gnomAD exomes below 0.00001; TOPMed below 0.00001; ExAC 0.00001; gnomAD 0.00001.

Submissions (2):

Ambry Genetics
Classification: Uncertain significance for Cardiovascular phenotype. Last evaluated: 2023-03-10. Review status: criteria provided, single submitter. Criteria: Ambry Variant Classification Scheme 2023. Collection method: clinical testing. Allele origin: germline.
Comment: The c.165delC variant, located in coding exon 2 of the CAV3 gene, results from a deletion of one nucleotide at nucleotide position 165, causing a translational frameshift with a predicted alternate stop codon (p.D55Efs*6). This alteration is expected to result in loss of function by premature protein truncation or nonsense-mediated mRNA decay. Although truncating variants have been implicated in autosomal recessive caveolinopathy, loss of function has not been established as a mechanism of disease for autosomal dominant caveolinopathy (M&uuml;ller JS et al. Neuromuscul Disord, 2006 Jul;16:432-6; Ueyama H et al. Neuromuscul Disord, 2007 Jul;17:558-61; Traverso M et al. J Neurol Neurosurg Psychiatry, 2008 Jun;79:735-7). Based on the supporting evidence, this variant is expected to be pathogenic for autosomal recessive caveolinopathy when present along with a second pathogenic variant on the other allele; however, the clinical significance of this variant in the heterozygous state is unclear.

Labcorp Genetics (formerly Invitae), Labcorp
Classification: Uncertain significance for Long QT syndrome. Last evaluated: 2022-07-25. Review status: criteria provided, single submitter. Criteria: Invitae Variant Classification Sherloc (09022015). Collection method: clinical testing. Allele origin: germline.
Comment: In summary, the available evidence is currently insufficient to determine the role of this variant in disease. Therefore, it has been classified as a Variant of Uncertain Significance. Experimental studies and prediction algorithms are not available or were not evaluated, and the functional significance of this variant is currently unknown. ClinVar contains an entry for this variant (Variation ID: 639987). This variant has not been reported in the literature in individuals affected with CAV3-related conditions. This variant is present in population databases (rs780411707, gnomAD 0.007%). This sequence change creates a premature translational stop signal (p.Asp55Glufs*6) in the CAV3 gene. While this is not anticipated to result in nonsense mediated decay, it is expected to disrupt the last 97 amino acid(s) of the CAV3 protein.